The following is an entry in ClinVar:

NM_001278116.2(L1CAM):c.2239C>G (p.Gln747Glu)

Gene: L1CAM (L1 cell adhesion molecule; minus strand). Cytogenetic location: Xq28.
Variant type: single nucleotide variant.
Coding change: c.2239C>G on transcript NM_001278116.2 (MANE Select); coding-DNA position 2239, C replaced by G.
Protein change: p.Gln747Glu; replaces glutamine 747 with glutamic acid.
Molecular consequence: missense variant.
Genome position (GRCh38, 1-based): chrX:153,866,841, G>C on the plus strand (C>G on the coding strand, the complement: L1CAM is on the minus strand). VCF-style: chrX-153866841-G-C. GRCh37 (hg19) VCF-style: chrX-153132296-G-C.
Other names: p.Gln747Glu; c.2239C>G, p.Gln747Glu (NM_000425.5, NM_024003.3); c.2224C>G, p.Gln742Glu (NM_001143963.2); short protein forms Q742E, Q747E.
Identifiers: ClinVar variation 4542505 (VCV004542505.1).

ClinVar aggregate classification (germline): Uncertain significance (1 of 4 stars; one submission).

Submission:

Mayo Clinic Laboratories, Mayo Clinic
Classification: Uncertain significance. Last evaluated: 2025-10-21. Review status: criteria provided, single submitter. Criteria: ACMG Guidelines, 2015. Collection method: clinical testing. Allele origin: germline. Observed: 1 variant allele.
Comment: BP4_moderate, PM2_supporting